The following is an entry in ClinVar:

ClinVar aggregate classification (germline): Uncertain significance. Review status: criteria provided, multiple submitters, no conflicts (2 of 4 stars). 2 submissions from 2 submitters: Uncertain significance (2). Last evaluated 2025-08-21.

Conditions:
Cardiovascular phenotype. Identifiers: MedGen CN230736.
Progressive familial heart block type IB (PFHB1B). Identifiers: Orphanet 871, MedGen C1970298, MONDO:0011474, OMIM 604559.

Allele frequency attached by ClinVar (database versions not stated): gnomAD 0.00001; TOPMed 0.00001; ExAC 0.00002; gnomAD exomes 0.00002.
gnomAD v4.1: 23 of 1,614,092 alleles (0.0014%); highest among the groups gnomAD compares: Non-Finnish European, 0.0018%; no homozygotes.

Submissions (2):

Labcorp Genetics (formerly Invitae), Labcorp
Classification: Uncertain significance for Progressive familial heart block type IB. Last evaluated: 2025-08-21. Review status: criteria provided, single submitter. Criteria: Invitae Variant Classification Sherloc (09022015). Collection method: clinical testing. Allele origin: germline.
Comment: This sequence change replaces arginine, which is basic and polar, with leucine, which is neutral and non-polar, at codon 1067 of the TRPM4 protein (p.Arg1067Leu). This variant is present in population databases (rs781475700, gnomAD 0.01%). This variant has not been reported in the literature in individuals affected with TRPM4-related conditions. ClinVar contains an entry for this variant (Variation ID: 955654). An algorithm developed to predict the effect of missense changes on protein structure and function (PolyPhen-2) suggests that this variant is likely to be tolerated. In summary, the available evidence is currently insufficient to determine the role of this variant in disease. Therefore, it has been classified as a Variant of Uncertain Significance.

Ambry Genetics
Classification: Uncertain significance for Cardiovascular phenotype. Last evaluated: 2024-04-28. Review status: criteria provided, single submitter. Criteria: Ambry Variant Classification Scheme 2023. Collection method: clinical testing. Allele origin: germline.
Comment: The p.R1067L variant (also known as c.3200G>T), located in coding exon 21 of the TRPM4 gene, results from a G to T substitution at nucleotide position 3200. The arginine at codon 1067 is replaced by leucine, an amino acid with dissimilar properties. This amino acid position is conserved. In addition, this alteration is predicted to be tolerated by in silico analysis. Since supporting evidence is limited at this time, the clinical significance of this alteration remains unclear.

NM_017636.4(TRPM4):c.3200G>T (p.Arg1067Leu)

Gene: TRPM4 (transient receptor potential cation channel subfamily M member 4; plus strand). Cytogenetic location: 19q13.33.
Variant type: single nucleotide variant.
Coding change: c.3200G>T on transcript NM_017636.4 (MANE Select); coding-DNA position 3200, G replaced by T.
Protein change: p.Arg1067Leu; replaces arginine 1067 with leucine.
Molecular consequence: missense variant.
Genome position (GRCh38, 1-based): chr19:49,210,277, G>T. VCF-style: chr19-49210277-G-T. GRCh37 (hg19) VCF-style: chr19-49713534-G-T.
Other names: c.2765G>T, p.Arg922Leu (NM_001195227.2); c.2855G>T, p.Arg952Leu (NM_001321281.2); c.1592G>T, p.Arg531Leu (NM_001321282.2); c.2678G>T, p.Arg893Leu (NM_001321283.2); c.2138G>T, p.Arg713Leu (NM_001321285.2); short protein forms R952L, R531L, R922L, R1067L, R713L, R893L.
Identifiers: ClinVar variation 955654 (VCV000955654.10), dbSNP rs781475700, ClinGen allele CA9569812.